The following is an entry in ClinVar:

ClinVar aggregate classification (germline): Benign. Review status: criteria provided, single submitter (1 of 4 stars). 2 submissions from 2 submitters: Benign (1). 1 of the submissions does not count toward it. Last evaluated 2025-12-17.

Conditions:
SLC25A32-related disorder. Also called: SLC25A32-related condition.

Allele frequency attached by ClinVar (database versions not stated): 1000 Genomes Project 30x 0.00031; 1000 Genomes Project 0.00040; ESP Exome Variant Server 0.00069; TOPMed 0.00074; gnomAD exomes 0.00075 and 0.00125; gnomAD 0.00082 and 0.00083; ExAC 0.00105.
gnomAD v4.1: 1,281 of 1,613,960 alleles (0.079%); highest among the groups gnomAD compares: East Asian, 0.23%; 9 homozygotes.

Submissions (2):

Labcorp Genetics (formerly Invitae), Labcorp
Classification: Benign. Last evaluated: 2025-12-17. Review status: criteria provided, single submitter. Criteria: Invitae Variant Classification Sherloc (09022015). Collection method: clinical testing. Allele origin: germline.

PreventionGenetics, part of Exact Sciences
Classification: Likely benign for SLC25A32-related condition. Last evaluated: 2020-06-17. Review status: no assertion criteria provided. Collection method: clinical testing. Allele origin: germline. Not counted in ClinVar's aggregate classification.
Comment: This variant is classified as likely benign based on ACMG/AMP sequence variant interpretation guidelines (Richards et al. 2015 PMID: 25741868, with internal and published modifications).

NM_030780.5(SLC25A32):c.826G>A (p.Gly276Ser)

Gene: SLC25A32 (solute carrier family 25 member 32; minus strand). Cytogenetic location: 8q22.3.
Variant type: single nucleotide variant.
Coding change: c.826G>A on transcript NM_030780.5 (MANE Select); coding-DNA position 826, G replaced by A.
Protein change: p.Gly276Ser; replaces glycine 276 with serine.
Molecular consequence: missense variant. On other transcripts: non-coding transcript variant (2).
Genome position (GRCh38, 1-based): chr8:103,400,533, C>T on the plus strand (G>A on the coding strand, the complement: SLC25A32 is on the minus strand). VCF-style: chr8-103400533-C-T. GRCh37 (hg19) VCF-style: chr8-104412761-C-T.
Other names: c.826G>A (NM_030780.4); short protein forms G276S.
Identifiers: ClinVar variation 1535775 (VCV001535775.10), dbSNP rs144530892, ClinGen allele CA4835348.
Genomic context (GRCh38, chr8:103,400,533, plus strand): 5'-TAATACAGCAGGCTGGAGTCACTCTAATCAAATTAGGAGCAATTCCCTTGTAAAATCCAC[C>T]GACGCCTTCTTTCCTTTAGAGGGAAAAATAGATAATGCTTAATTTTGTATAGAGCTAGCT-3'
Protein context (NP_110407.2, residues 266-286): ITKTWRKEGV[Gly276Ser]GFYKGIAPNL